The following is an entry in ClinVar:

ClinVar aggregate classification (germline): Uncertain significance (1 of 4 stars; one submission).

Conditions:
Hereditary cancer-predisposing syndrome. Also called: Tumor predisposition; Hereditary Cancer Syndrome; Neoplastic Syndromes, Hereditary; Hereditary neoplastic syndrome. Identifiers: Orphanet 140162, MedGen C0027672, MeSH D009386, MONDO:0015356.

Submission:

Ambry Genetics
Classification: Uncertain significance for Hereditary cancer-predisposing syndrome. Last evaluated: 2025-04-30. Review status: criteria provided, single submitter. Criteria: Ambry Variant Classification Scheme 2023. Collection method: clinical testing. Allele origin: germline.
Comment: The p.E975* variant (also known as c.2923G>T), located in coding exon 19 of the BRIP1 gene, results from a G to T substitution at nucleotide position 2923. This changes the amino acid from a glutamic acid to a stop codon within coding exon 19. This deletion occurs at the 3' terminus of BRIP1, is not expected to trigger nonsense mediated decay (NMD), and results in the removal of the last 275 amino acids of the protein. The exact functional impact of these removed amino acids is unknown. While the C-terminal region of the BRIP1 protein has been shown by structural, biochemical, and mutational analysis to be relevant for some aspects of BRIP1 protein function (Gong Z et al. Mol. Cell, 2010 Feb;37:438-46; Leung CC et al. J. Biol. Chem. 2011 Feb; 286(6):4292-301; Xie J et al. PLoS Genet. 2012 Jul; 8(7):e1002786), functional studies have shown that truncations in the 3' terminus of BRIP1 display normal function in response to intra-strand cross-linking agents (Calvo JA et al. Mol Cancer Res, 2021 Jun;19:1015-1025). Based on the available evidence, the clinical significance of this variant remains unclear.

Literature cited by the submitters: PubMed 15125843.

NM_032043.3(BRIP1):c.2923G>T (p.Glu975Ter)

Gene: BRIP1 (BRCA1 interacting DNA helicase 1; minus strand). Cytogenetic location: 17q23.2.
Variant type: single nucleotide variant.
Coding change: c.2923G>T on transcript NM_032043.3 (MANE Select); coding-DNA position 2923, G replaced by T.
Protein change: p.Glu975Ter; replaces glutamic acid 975 with a stop codon.
Molecular consequence: nonsense.
Genome position (GRCh38, 1-based): chr17:61,684,123, C>A on the plus strand (G>T on the coding strand, the complement: BRIP1 is on the minus strand). VCF-style: chr17-61684123-C-A. GRCh37 (hg19) VCF-style: chr17-59761484-C-A.
Other names: short protein forms E975*.
Identifiers: ClinVar variation 822274 (VCV000822274.5), dbSNP rs1603275707, ClinGen allele CA400480736.